The following is an entry in ClinVar:

ClinVar aggregate classification (germline): Uncertain significance (1 of 4 stars; one submission).

Conditions:
Hereditary cancer-predisposing syndrome. Also called: Tumor predisposition; Neoplastic Syndromes, Hereditary; Hereditary Cancer Syndrome; Hereditary neoplastic syndrome. Identifiers: Orphanet 140162, MedGen C0027672, MeSH D009386, MONDO:0015356.

Submission:

Ambry Genetics
Classification: Uncertain significance for Hereditary cancer-predisposing syndrome. Last evaluated: 2025-03-03. Review status: criteria provided, single submitter. Criteria: Ambry Variant Classification Scheme 2023. Collection method: clinical testing. Allele origin: germline.
Comment: The p.H260L variant (also known as c.779A>T), located in coding exon 7 of the NBN gene, results from an A to T substitution at nucleotide position 779. The histidine at codon 260 is replaced by leucine, an amino acid with similar properties. This amino acid position is conserved. In addition, this alteration is predicted to be tolerated by in silico analysis. Based on the available evidence, the clinical significance of this variant remains unclear.

NM_002485.5(NBN):c.779A>T (p.His260Leu)

Gene: NBN (nibrin; minus strand). Cytogenetic location: 8q21.3.
Variant type: single nucleotide variant.
Coding change: c.779A>T on transcript NM_002485.5 (MANE Select); coding-DNA position 779, A replaced by T.
Protein change: p.His260Leu; replaces histidine 260 with leucine.
Molecular consequence: missense variant.
Genome position (GRCh38, 1-based): chr8:89,970,481, T>A on the plus strand (A>T on the coding strand, the complement: NBN is on the minus strand). VCF-style: chr8-89970481-T-A. GRCh37 (hg19) VCF-style: chr8-90982709-T-A.
Other names: c.533A>T, p.His178Leu (NM_001024688.3); short protein forms H178L, H260L.
Identifiers: ClinVar variation 3877906 (VCV003877906.1).